The following is an entry in ClinVar:

NM_033026.6(PCLO):c.14822G>A (p.Ser4941Asn)

Genes: PCLO (piccolo presynaptic cytomatrix protein; minus strand), LOC126860089 (MED14-independent group 3 enhancer GRCh37_chr7:82434470-82435669; plus strand). Cytogenetic location: 7q21.11.
Variant type: single nucleotide variant.
Coding change: c.14822G>A on transcript NM_033026.6 (MANE Select); coding-DNA position 14822, G replaced by A.
Protein change: p.Ser4941Asn; replaces serine 4941 with asparagine.
Molecular consequence: missense variant.
Genome position (GRCh38, 1-based): chr7:82,805,799, C>T on the plus strand (G>A on the coding strand, the complement: PCLO is on the minus strand). VCF-style: chr7-82805799-C-T. GRCh37 (hg19) VCF-style: chr7-82435115-C-T.
Other names: short protein forms S4941N.
Identifiers: ClinVar variation 1475195 (VCV001475195.6), dbSNP rs1273216197, ClinGen allele CA368018643.

ClinVar aggregate classification (germline): Uncertain significance (1 of 4 stars; one submission).

Allele frequency attached by ClinVar (database versions not stated): gnomAD exomes below 0.00001; TOPMed below 0.00001; gnomAD 0.00004.
gnomAD v4.1: 8 of 1,606,772 alleles (0.0005%); highest among the groups gnomAD compares: African/African-American, 0.011%; no homozygotes.

Submission:

Labcorp Genetics (formerly Invitae), Labcorp
Classification: Uncertain significance. Last evaluated: 2021-10-20. Review status: criteria provided, single submitter. Criteria: Invitae Variant Classification Sherloc (09022015). Collection method: clinical testing. Allele origin: germline.
Comment: This variant is not present in population databases (ExAC no frequency). This variant has not been reported in the literature in individuals affected with PCLO-related conditions. Algorithms developed to predict the effect of missense changes on protein structure and function are either unavailable or do not agree on the potential impact of this missense change (SIFT: "Tolerated"; PolyPhen-2: "Not Available"; Align-GVGD: "Class C0"). In summary, the available evidence is currently insufficient to determine the role of this variant in disease. Therefore, it has been classified as a Variant of Uncertain Significance. This sequence change replaces serine with asparagine at codon 4941 of the PCLO protein (p.Ser4941Asn). The serine residue is weakly conserved and there is a small physicochemical difference between serine and asparagine.